The following is an entry in ClinVar:

NM_144651.5(PXDNL):c.1533A>G (p.Ala511=)

Gene: PXDNL (peroxidasin like; minus strand). Cytogenetic location: 8q11.22.
Variant type: single nucleotide variant.
Coding change: c.1533A>G on transcript NM_144651.5 (MANE Select); coding-DNA position 1533, A replaced by G.
Protein change: p.Ala511=; no amino-acid change (alanine 511 retained).
Molecular consequence: synonymous variant.
Genome position (GRCh38, 1-based): chr8:51,426,751, T>C on the plus strand (A>G on the coding strand, the complement: PXDNL is on the minus strand). VCF-style: chr8-51426751-T-C. GRCh37 (hg19) VCF-style: chr8-52339311-T-C.
Identifiers: ClinVar variation 3038791 (VCV003038791.2), dbSNP rs184738185, ClinGen allele CA4745327.

ClinVar aggregate classification (germline): Benign (0 of 4 stars; one submission).

Conditions:
PXDNL-related disorder. Also called: PXDNL-related condition.

Allele frequency attached by ClinVar (database versions not stated): 1000 Genomes Project 30x 0.00062; 1000 Genomes Project 0.00080; TOPMed 0.00150; ESP Exome Variant Server 0.00184; gnomAD exomes 0.00196; ExAC 0.00322.
gnomAD v4.1: 3,146 of 1,581,312 alleles (0.2%); highest among the groups gnomAD compares: Middle Eastern, 2.9%; 9 homozygotes.

Submission:

PreventionGenetics, part of Exact Sciences
Classification: Benign for PXDNL-related condition. Last evaluated: 2019-05-23. Review status: no assertion criteria provided. Collection method: clinical testing. Allele origin: germline.
Comment: This variant is classified as benign based on ACMG/AMP sequence variant interpretation guidelines (Richards et al. 2015 PMID: 25741868, with internal and published modifications).